The following is an entry in ClinVar:

ClinVar aggregate classification (germline): Conflicting classifications of pathogenicity. Review status: criteria provided, conflicting classifications (1 of 4 stars). 8 submissions from 7 submitters: Uncertain significance (1); Benign (6). 1 of the submissions does not count toward it. Last evaluated 2026-04-01.

Conditions:
Retinal dystrophy. Also called: Inherited retinal dystrophy. Identifiers: Orphanet 71862, MedGen C0854723, MeSH D058499, MONDO:0019118, HP:0000556.
Retinitis pigmentosa (RP). Identifiers: Orphanet 791, MedGen C0035334, MeSH D012174, MONDO:0019200, OMIM 268000. Inheritance: Autosomal dominant, autosomal recessive and X linked inheritance.
Congenital stationary night blindness autosomal dominant 2. Also called: NIGHT BLINDNESS, CONGENITAL STATIONARY, RAMBUSCH TYPE. Identifiers: Orphanet 215, MedGen C1876182, MONDO:0008099, OMIM 163500.

Allele frequency attached by ClinVar (database versions not stated): 1000 Genomes Project 0.00499; 1000 Genomes Project 30x 0.00515; gnomAD 0.00868 and 0.00911; ESP Exome Variant Server 0.00869; TOPMed 0.00904; gnomAD exomes 0.00922 and 0.01208; ExAC 0.00962.
gnomAD v4.1: 18,985 of 1,613,082 alleles (1.2%); highest among the groups gnomAD compares: Non-Finnish European, 1.4%; 115 homozygotes.

Submissions (8):

CeGaT Center for Human Genetics Tuebingen
Classification: Benign. Last evaluated: 2026-04-01. Review status: criteria provided, single submitter. Criteria: CeGaT Center For Human Genetics Tuebingen Variant Classification Criteria Version 2. Collection method: clinical testing. Allele origin: germline. Affected: yes. Observed: 11 variant alleles.
Comment: PDE6B: BS1, BS2

Labcorp Genetics (formerly Invitae), Labcorp
Classification: Benign. Last evaluated: 2026-02-01. Review status: criteria provided, single submitter. Criteria: Invitae Variant Classification Sherloc (09022015). Collection method: clinical testing. Allele origin: germline.

ARUP Laboratories, Molecular Genetics and Genomics, ARUP Laboratories
Classification: Benign. Last evaluated: 2023-11-11. Review status: criteria provided, single submitter. Criteria: ARUP Molecular Germline Variant Investigation Process 2024. Collection method: clinical testing. Allele origin: germline.

Dept Of Ophthalmology, Nagoya University
Classification: Benign for Retinal dystrophy. Last evaluated: 2023-10-01. Review status: criteria provided, single submitter. Criteria: Submitter's publication. Collection method: research. Allele origin: germline. Affected: yes.

Illumina Laboratory Services, Illumina
Classification: Uncertain significance for Retinitis pigmentosa. Last evaluated: 2018-01-12. Review status: criteria provided, single submitter. Criteria: ICSL Variant Classification Criteria 13 December 2019. Collection method: clinical testing. Allele origin: germline.

Illumina Laboratory Services, Illumina
Classification: Benign for Congenital stationary night blindness autosomal dominant 2. Last evaluated: 2018-01-12. Review status: criteria provided, single submitter. Criteria: ICSL Variant Classification Criteria 13 December 2019. Collection method: clinical testing. Allele origin: germline.
Comment: This variant was observed in the ICSL laboratory as part of a predisposition screen in an ostensibly healthy population. It had not been previously curated by ICSL or reported in the Human Gene Mutation Database (HGMD: prior to June 1st, 2018), and was therefore a candidate for classification through an automated scoring system. Utilizing variant allele frequency, disease prevalence and penetrance estimates, and inheritance mode, an automated score was calculated to assess if this variant is too frequent to cause the disease. Based on the score and internal cut-off values, a variant classified as benign is not then subjected to further curation. The score for this variant resulted in a classification of benign for this disease.

GeneDx
Classification: Benign. Last evaluated: 2015-03-03. Review status: criteria provided, single submitter. Criteria: GeneDx Variant Classification Process June 2021. Collection method: clinical testing. Allele origin: germline. Affected: yes.

Institute of Human Genetics, Univ. Regensburg, Univ. Regensburg
Classification: Likely benign for Retinal dystrophy. Last evaluated: 2013-01-01. Review status: no assertion criteria provided. Criteria: ACMG Guidelines, 2015. Collection method: clinical testing. Allele origin: germline. Affected: yes. Not counted in ClinVar's aggregate classification.

NM_000283.4(PDE6B):c.496G>A (p.Glu166Lys)

Gene: PDE6B (phosphodiesterase 6B; plus strand). Cytogenetic location: 4p16.3.
Variant type: single nucleotide variant.
Coding change: c.496G>A on transcript NM_000283.4 (MANE Select); coding-DNA position 496, G replaced by A.
Protein change: p.Glu166Lys; replaces glutamic acid 166 with lysine.
Molecular consequence: missense variant.
Genome position (GRCh38, 1-based): chr4:634,704, G>A. VCF-style: chr4-634704-G-A. GRCh37 (hg19) VCF-style: chr4-628493-G-A.
Other names: c.496G>A, p.Glu166Lys (NM_001145291.2); short protein forms E166K.
Identifiers: ClinVar variation 349310 (VCV000349310.48), dbSNP rs115775983, ClinGen allele CA2793981.
Genomic context (GRCh38, chr4:634,704, plus strand): 5'-AGCCTCTTTAGCCTCTTTCCTCTCTTGCGGCAGTGCCCTCACTTCAGCTCATTTGCTGAC[G>A]AGCTCACTGACTACAAGACAAAGAATATGCTGGCCACACCCATCATGAATGGCAAAGACG-3'
Protein context (NP_000274.3, residues 156-176): ECPHFSSFAD[Glu166Lys]LTDYKTKNML